The following is an entry in ClinVar:

ClinVar aggregate classification (germline): Uncertain significance (1 of 4 stars; one submission).

Conditions:
Leigh syndrome (NULS). Also called: Leigh's necrotizing encephalopathy; Leigh's disease; Leigh Syndrome (mtDNA deletion); Leigh Disease; Subacute necrotizing encephalopathy; Necrotizing encephalopathy infantile subacute of Leigh. Identifiers: Orphanet 506, MedGen C2931891, MONDO:0009723, OMIM 256000.

Submission:

Wong Mito Lab, Molecular and Human Genetics, Baylor College of Medicine
Classification: Uncertain significance for Leigh syndrome. Last evaluated: 2019-10-17. Review status: criteria provided, single submitter. Criteria: Modified ACMG Guidelines (Unpublished). Collection method: clinical testing. Allele origin: germline.
Comment: The NC_012920.1:m.13240G>A (YP_003024036.1:p.Val302Met) variant in MTND5 gene is interpretated to be a Uncertain Significance variant based on the modified ACMG guidelines (unpublished). This variant meets the following evidence codes: no criteria

NC_012920.1(MT-ND5):m.13240G>A

Gene: MT-ND5 (mitochondrially encoded NADH dehydrogenase 5; plus strand).
Variant type: single nucleotide variant.
Genome position: chrM-13240-G-A.
Identifiers: ClinVar variation 693538 (VCV000693538.1), dbSNP rs1603224103, ClinGen allele CA414817104.
Genomic context (GRCh38, chrMT:13,240, plus strand): 5'-GCTATCACCACTCTGTTCGCAGCAGTCTGCGCCCTTACACAAAATGACATCAAAAAAATC[G>A]TAGCCTTCTCCACTTCAAGTCAACTAGGACTCATAATAGTTACAATCGGCATCAACCAAC-3'